The following is an entry in ClinVar:

ClinVar aggregate classification (germline): Uncertain significance (1 of 4 stars; one submission).

gnomAD v4.1: 6 of 1,612,860 alleles (0.00037%); highest among the groups gnomAD compares: African/African-American, 0.008%; no homozygotes.

Submission:

GeneDx
Classification: Uncertain significance. Last evaluated: 2025-04-14. Review status: criteria provided, single submitter. Criteria: GeneDx Variant Classification Process June 2021. Collection method: clinical testing. Allele origin: germline. Affected: yes.
Comment: In silico analysis indicates that this missense variant does not alter protein structure/function; Has not been previously published as pathogenic or benign to our knowledge

NM_032229.3(SLITRK6):c.704A>G (p.Asn235Ser)

Gene: SLITRK6 (SLIT and NTRK like family member 6; minus strand). Cytogenetic location: 13q31.1.
Variant type: single nucleotide variant.
Coding change: c.704A>G on transcript NM_032229.3 (MANE Select); coding-DNA position 704, A replaced by G.
Protein change: p.Asn235Ser; replaces asparagine 235 with serine.
Molecular consequence: missense variant.
Genome position (GRCh38, 1-based): chr13:85,795,805, T>C on the plus strand (A>G on the coding strand, the complement: SLITRK6 is on the minus strand). VCF-style: chr13-85795805-T-C. GRCh37 (hg19) VCF-style: chr13-86369940-T-C.
Other names: short protein forms N235S.
Identifiers: ClinVar variation 4281843 (VCV004281843.1).